The following is an entry in ClinVar:

ClinVar aggregate classification (germline): Uncertain significance (1 of 4 stars; one submission).

Submission:

GeneDx
Classification: Uncertain significance. Last evaluated: 2024-10-08. Review status: criteria provided, single submitter. Criteria: GeneDx Variant Classification Process June 2021. Collection method: clinical testing. Allele origin: germline. Affected: yes.
Comment: Not observed at significant frequency in large population cohorts (gnomAD); In silico analysis indicates that this missense variant does not alter protein structure/function; Has not been previously published as pathogenic or benign to our knowledge

NM_001042750.2(STAG2):c.2623A>C (p.Thr875Pro)

Gene: STAG2 (STAG2 cohesin complex component; plus strand). Cytogenetic location: Xq25.
Variant type: single nucleotide variant.
Coding change: c.2623A>C on transcript NM_001042750.2 (MANE Select); coding-DNA position 2623, A replaced by C.
Protein change: p.Thr875Pro; replaces threonine 875 with proline.
Molecular consequence: missense variant.
Genome position (GRCh38, 1-based): chrX:124,076,421, A>C. VCF-style: chrX-124076421-A-C. GRCh37 (hg19) VCF-style: chrX-123210271-A-C.
Other names: c.2623A>C, p.Thr875Pro (NM_001042749.2, NM_001042751.2, NM_001282418.2 and 13 more transcripts); short protein forms T875P.
Identifiers: ClinVar variation 3777577 (VCV003777577.1).